The following is an entry in ClinVar:

NM_001199753.2(CPT1C):c.1939G>A (p.Gly647Arg)

Gene: CPT1C (carnitine palmitoyltransferase 1C; plus strand). Cytogenetic location: 19q13.33.
Variant type: single nucleotide variant.
Coding change: c.1939G>A on transcript NM_001199753.2 (MANE Select); coding-DNA position 1939, G replaced by A.
Protein change: p.Gly647Arg; replaces glycine 647 with arginine.
Molecular consequence: missense variant. On other transcripts: non-coding transcript variant (1).
Genome position (GRCh38, 1-based): chr19:49,711,881, G>A. VCF-style: chr19-49711881-G-A. GRCh37 (hg19) VCF-style: chr19-50215138-G-A.
Other names: c.1906G>A, p.Gly636Arg (NM_001136052.3, NM_001378485.1); c.1939G>A, p.Gly647Arg (NM_001199752.3, NM_001378483.1, NM_001378484.1 and 1 more transcripts); c.2005G>A, p.Gly669Arg (NM_001378482.1); c.1804G>A, p.Gly602Arg (NM_001378486.1, NM_001378488.1); c.1771G>A, p.Gly591Arg (NM_001378487.1); short protein forms G602R, G591R, G647R, G669R, G636R.
Identifiers: ClinVar variation 3702564 (VCV003702564.2).
Genomic context (GRCh38, chr19:49,711,881, plus strand): 5'-CTCGCCCTGTTCCGCGTGGCAGTGGACAAGCACCAGGCTCTGCTGAAGGCAGCCATGAGC[G>A]GGCAGGGAGTTGACCGCCACCTGTTTGCGCTGTACATCGTGTCCCGATTCCTCCACCTGC-3'
Protein context (NP_001186682.1, residues 637-657): HQALLKAAMS[Gly647Arg]QGVDRHLFAL

ClinVar aggregate classification (germline): Uncertain significance (1 of 4 stars; one submission).

Conditions:
Hereditary spastic paraplegia 73. Also called: Spastic paraplegia 73, autosomal dominant. Identifiers: Orphanet 444099, MedGen C5568981, MONDO:0014568, OMIM 616282.

gnomAD v4.1: 6 of 1,614,118 alleles (0.00037%); highest among the groups gnomAD compares: South Asian, 0.0033%; no homozygotes.

Submission:

Labcorp Genetics (formerly Invitae), Labcorp
Classification: Uncertain significance for Hereditary spastic paraplegia 73. Last evaluated: 2024-10-30. Review status: criteria provided, single submitter. Criteria: Invitae Variant Classification Sherloc (09022015). Collection method: clinical testing. Allele origin: germline.
Comment: This sequence change replaces glycine, which is neutral and non-polar, with arginine, which is basic and polar, at codon 636 of the CPT1C protein (p.Gly636Arg). This variant is present in population databases (rs770093149, gnomAD 0.0009%). This variant has not been reported in the literature in individuals affected with CPT1C-related conditions. Invitae Evidence Modeling of protein sequence and biophysical properties (such as structural, functional, and spatial information, amino acid conservation, physicochemical variation, residue mobility, and thermodynamic stability) indicates that this missense variant is expected to disrupt CPT1C protein function with a positive predictive value of 80%. In summary, the available evidence is currently insufficient to determine the role of this variant in disease. Therefore, it has been classified as a Variant of Uncertain Significance.